The following is an entry in ClinVar:

ClinVar aggregate classification (germline): Pathogenic (1 of 4 stars; one submission).

Submission:

Labcorp Genetics (formerly Invitae), Labcorp
Classification: Pathogenic. Last evaluated: 2021-07-21. Review status: criteria provided, single submitter. Criteria: Invitae Variant Classification Sherloc (09022015). Collection method: clinical testing. Allele origin: germline.
Comment: For these reasons, this variant has been classified as Pathogenic. This variant has not been reported in the literature in individuals affected with GFM1-related conditions. This variant is not present in population databases (ExAC no frequency). This sequence change creates a premature translational stop signal (p.Ile218Leufs*25) in the GFM1 gene. It is expected to result in an absent or disrupted protein product. Loss-of-function variants in GFM1 are known to be pathogenic (PMID: 16632485, 17160893).

Literature cited by the submitters: PubMed 16632485; PubMed 17160893.

NM_024996.7(GFM1):c.649del (p.Ile218fs)

Gene: GFM1 (G elongation factor mitochondrial 1; plus strand). Cytogenetic location: 3q25.32.
Variant type: Deletion.
Coding change: c.649del on transcript NM_024996.7 (MANE Select); coding-DNA position 649, one base deleted (C; older notation c.649delC).
Protein change: p.Ile218fs; shifts the reading frame from isoleucine 218.
Molecular consequence: frameshift variant. On other transcripts: non-coding transcript variant (2), intron variant (3).
Genome position (GRCh38, 1-based): chr3:158,649,117, C deleted. VCF-style (leftmost placement, unchanged base first): chr3-158649116-TC-T. GRCh37 (hg19) VCF-style: chr3-158366905-TC-T.
Other names: c.649del, p.Ile218fs (NM_001308164.2, NM_001308166.2, NM_001374355.1); c.424del, p.Ile143fs (NM_001374357.1); c.82del, p.Ile29fs (NM_001374359.1, NM_001374360.1); c.572+2170del (NM_001374356.1); c.6-2979del (NM_001374361.1); c.235-2983del (NM_001374358.1); short protein forms I218fs, I143fs, I29fs.
Identifiers: ClinVar variation 1361109 (VCV001361109.6), dbSNP rs2108009622, ClinGen allele CA2573136655.